The following is an entry in ClinVar:

NM_000540.3(RYR1):c.7592G>A (p.Arg2531Lys)

Gene: RYR1 (ryanodine receptor 1; plus strand). Cytogenetic location: 19q13.2.
Variant type: single nucleotide variant.
Coding change: c.7592G>A on transcript NM_000540.3 (MANE Select); coding-DNA position 7592, G replaced by A.
Protein change: p.Arg2531Lys; replaces arginine 2531 with lysine.
Molecular consequence: missense variant.
Genome position (GRCh38, 1-based): chr19:38,500,968, G>A. VCF-style: chr19-38500968-G-A. GRCh37 (hg19) VCF-style: chr19-38991608-G-A.
Other names: c.7592G>A, p.Arg2531Lys (NM_001042723.2); short protein forms R2531K.
Identifiers: ClinVar variation 2571937 (VCV002571937.1), dbSNP rs2514322915, ClinGen allele CA405670566.
Genomic context (GRCh38, chr19:38,500,968, plus strand): 5'-GCATCGAGAACCAGGACTTCTTGCTGCACGTGCTGGACGTGGGGTTCCTGCCCGACATGA[G>A]GGCAGCCGCCTCGCTGGACACGGTGAGCAACCCTGCCCAGCCTGGCCACCCTCCCCACTT-3'
Protein context (NP_000531.2, residues 2521-2541): VLDVGFLPDM[Arg2531Lys]AAASLDTATF

ClinVar aggregate classification (germline): Uncertain significance (1 of 4 stars; one submission).

Submission:

GeneDx
Classification: Uncertain significance. Last evaluated: 2023-01-09. Review status: criteria provided, single submitter. Criteria: GeneDx Variant Classification Process June 2021. Collection method: clinical testing. Allele origin: germline. Affected: yes.
Comment: Not observed at significant frequency in large population cohorts (gnomAD); In silico analysis supports that this missense variant does not alter protein structure/function; Has not been previously published as pathogenic or benign to our knowledge